The following is an entry in ClinVar:

ClinVar aggregate classification (germline): Uncertain significance. Review status: criteria provided, multiple submitters, no conflicts (2 of 4 stars). 2 submissions from 2 submitters: Uncertain significance (2). Last evaluated 2022-07-09.

Conditions:
Emery-Dreifuss muscular dystrophy 4, autosomal dominant (EDMD4). Also called: EMERY-DREIFUSS MUSCULAR DYSTROPHY 4 WITH VARIABLE FEATURES. Identifiers: Orphanet 261, MedGen C2751807, MONDO:0013071, OMIM 612998.
Autosomal recessive ataxia, Beauce type. Also called: SYNE1-Related Autosomal Recessive Cerebellar Ataxia; Spinocerebellar ataxia, autosomal recessive 8; ATAXIA, RECESSIVE, OF BEAUCE; SYNE1 Deficiency. Identifiers: Orphanet 88644, MedGen C1853116, MONDO:0012549, OMIM 610743.

Allele frequency attached by ClinVar (database versions not stated): gnomAD exomes below 0.00001 and 0.00001.
gnomAD v4.1: 11 of 1,614,206 alleles (0.00068%); highest among the groups gnomAD compares: East Asian, 0.0022%; no homozygotes.

Submissions (2):

Labcorp Genetics (formerly Invitae), Labcorp
Classification: Uncertain significance for Emery-Dreifuss muscular dystrophy 4, autosomal dominant; Autosomal recessive ataxia, Beauce type. Last evaluated: 2022-07-09. Review status: criteria provided, single submitter. Criteria: Invitae Variant Classification Sherloc (09022015). Collection method: clinical testing. Allele origin: germline.
Comment: ClinVar contains an entry for this variant (Variation ID: 497514). Algorithms developed to predict the effect of missense changes on protein structure and function are either unavailable or do not agree on the potential impact of this missense change (SIFT: "Deleterious"; PolyPhen-2: "Probably Damaging"; Align-GVGD: "Class C0"). In summary, the available evidence is currently insufficient to determine the role of this variant in disease. Therefore, it has been classified as a Variant of Uncertain Significance. This variant is present in population databases (rs556231915, gnomAD 0.0009%). This sequence change replaces arginine, which is basic and polar, with glutamine, which is neutral and polar, at codon 8372 of the SYNE1 protein (p.Arg8372Gln). This variant has not been reported in the literature in individuals affected with SYNE1-related conditions.

Eurofins Ntd Llc (ga)
Classification: Uncertain significance. Last evaluated: 2016-10-20. Review status: criteria provided, single submitter. Criteria: EGL Classification Definitions 2015. Collection method: clinical testing. Allele origin: germline. Observed: 1 variant allele, 1 heterozygote.

NM_182961.4(SYNE1):c.25259G>A (p.Arg8420Gln)

Gene: SYNE1 (spectrin repeat containing nuclear envelope protein 1; minus strand). Cytogenetic location: 6q25.2.
Variant type: single nucleotide variant.
Coding change: c.25259G>A on transcript NM_182961.4 (MANE Select); coding-DNA position 25259, G replaced by A.
Protein change: p.Arg8420Gln; replaces arginine 8420 with glutamine.
Molecular consequence: missense variant.
Genome position (GRCh38, 1-based): chr6:152,140,149, C>T on the plus strand (G>A on the coding strand, the complement: SYNE1 is on the minus strand). VCF-style: chr6-152140149-C-T. GRCh37 (hg19) VCF-style: chr6-152461284-C-T.
Other names: c.1865G>A, p.Arg622Gln (NM_001347701.2); c.1793G>A, p.Arg598Gln (NM_001347702.2); c.25115G>A, p.Arg8372Gln (NM_033071.5); short protein forms R8372Q, R8420Q, R598Q, R622Q.
Identifiers: ClinVar variation 497514 (VCV000497514.9), dbSNP rs556231915, ClinGen allele CA150165674.